The following is an entry in ClinVar:

ClinVar aggregate classification (germline): Uncertain significance. Review status: criteria provided, multiple submitters, no conflicts (2 of 4 stars). 2 submissions from 2 submitters: Uncertain significance (2). Last evaluated 2025-11-07.

Conditions:
SPTA1-related disorder. Also called: SPTA1-related disorders; SPTA1-related condition.

Allele frequency attached by ClinVar (database versions not stated): gnomAD 0.00001; TOPMed 0.00001; gnomAD exomes 0.00002.
gnomAD v4.1: 27 of 1,612,990 alleles (0.0017%); highest among the groups gnomAD compares: Non-Finnish European, 0.002%; no homozygotes.

Submissions (2):

PreventionGenetics, part of Exact Sciences
Classification: Uncertain significance for SPTA1-related condition. Last evaluated: 2025-11-07. Review status: criteria provided, single submitter. Criteria: ACMG Guidelines, 2015. Collection method: clinical testing. Allele origin: germline.
Comment: The SPTA1 c.6557T>C variant is predicted to result in the amino acid substitution p.Leu2186Pro. To our knowledge, this variant has not been reported in the literature or in a large population database (gnomAD), indicating this variant is rare. At this time, the clinical significance of this variant is uncertain due to the absence of conclusive functional and genetic evidence.

Labcorp Genetics (formerly Invitae), Labcorp
Classification: Uncertain significance. Last evaluated: 2023-12-27. Review status: criteria provided, single submitter. Criteria: Invitae Variant Classification Sherloc (09022015). Collection method: clinical testing. Allele origin: germline.
Comment: This sequence change replaces leucine, which is neutral and non-polar, with proline, which is neutral and non-polar, at codon 2186 of the SPTA1 protein (p.Leu2186Pro). This variant is present in population databases (no rsID available, gnomAD 0.0009%). This variant has not been reported in the literature in individuals affected with SPTA1-related conditions. Advanced modeling of protein sequence and biophysical properties (such as structural, functional, and spatial information, amino acid conservation, physicochemical variation, residue mobility, and thermodynamic stability) has been performed at Invitae for this missense variant, however the output from this modeling did not meet the statistical confidence thresholds required to predict the impact of this variant on SPTA1 protein function. In summary, the available evidence is currently insufficient to determine the role of this variant in disease. Therefore, it has been classified as a Variant of Uncertain Significance.

NM_003126.4(SPTA1):c.6557T>C (p.Leu2186Pro)

Gene: SPTA1 (spectrin alpha, erythrocytic 1; minus strand). Cytogenetic location: 1q23.1.
Variant type: single nucleotide variant.
Coding change: c.6557T>C on transcript NM_003126.4 (MANE Select); coding-DNA position 6557, T replaced by C.
Protein change: p.Leu2186Pro; replaces leucine 2186 with proline.
Molecular consequence: missense variant.
Genome position (GRCh38, 1-based): chr1:158,617,580, A>G on the plus strand (T>C on the coding strand, the complement: SPTA1 is on the minus strand). VCF-style: chr1-158617580-A-G. GRCh37 (hg19) VCF-style: chr1-158587370-A-G.
Other names: c.6557T>C (NM_003126.2); short protein forms L2186P.
Identifiers: ClinVar variation 2800582 (VCV002800582.4), dbSNP rs1252768130, ClinGen allele CA343016014.